The following is an entry in ClinVar:

NM_182961.4(SYNE1):c.20417A>C (p.Asp6806Ala)

Gene: SYNE1 (spectrin repeat containing nuclear envelope protein 1; minus strand). Cytogenetic location: 6q25.2.
Variant type: single nucleotide variant.
Coding change: c.20417A>C on transcript NM_182961.4 (MANE Select); coding-DNA position 20417, A replaced by C.
Protein change: p.Asp6806Ala; replaces aspartic acid 6806 with alanine.
Molecular consequence: missense variant.
Genome position (GRCh38, 1-based): chr6:152,234,780, T>G on the plus strand (A>C on the coding strand, the complement: SYNE1 is on the minus strand). VCF-style: chr6-152234780-T-G. GRCh37 (hg19) VCF-style: chr6-152555915-T-G.
Other names: c.20204A>C, p.Asp6735Ala (NM_033071.5); short protein forms D6735A, D6806A.
Identifiers: ClinVar variation 288688 (VCV000288688.13), dbSNP rs753654674, ClinGen allele CA4054430.

ClinVar aggregate classification (germline): Conflicting classifications of pathogenicity. Review status: criteria provided, conflicting classifications (1 of 4 stars). 6 submissions from 5 submitters: Uncertain significance (5); Likely benign (1). Last evaluated 2024-02-13.

Conditions:
Autosomal recessive ataxia, Beauce type. Also called: Spinocerebellar ataxia, autosomal recessive 8; ATAXIA, RECESSIVE, OF BEAUCE; SYNE1 Deficiency; SYNE1-Related Autosomal Recessive Cerebellar Ataxia. Identifiers: Orphanet 88644, MedGen C1853116, MONDO:0012549, OMIM 610743.
Emery-Dreifuss muscular dystrophy 4, autosomal dominant (EDMD4). Also called: EMERY-DREIFUSS MUSCULAR DYSTROPHY 4 WITH VARIABLE FEATURES. Identifiers: Orphanet 261, MedGen C2751807, MONDO:0013071, OMIM 612998.

Allele frequency attached by ClinVar (database versions not stated): gnomAD 0.00001; gnomAD exomes 0.00003; TOPMed 0.00003; ExAC 0.00005.
gnomAD v4.1: 59 of 1,614,066 alleles (0.0037%); highest among the groups gnomAD compares: Non-Finnish European, 0.005%; no homozygotes.

Submissions (6):

Athena Diagnostics
Classification: Uncertain significance. Last evaluated: 2024-02-13. Review status: criteria provided, single submitter. Criteria: Athena Diagnostics Criteria. Collection method: clinical testing. Allele origin: unknown.
Comment: Available data are insufficient to determine the clinical significance of the variant at this time. The frequency of this variant in the general population is uninformative in assessment of its pathogenicity. Computational tools predict that this variant is not damaging.

GeneDx
Classification: Uncertain significance. Last evaluated: 2023-08-08. Review status: criteria provided, single submitter. Criteria: GeneDx Variant Classification Process June 2021. Collection method: clinical testing. Allele origin: germline. Affected: yes.
Comment: In silico analysis supports that this missense variant has a deleterious effect on protein structure/function; Has not been previously published as pathogenic or benign to our knowledge

Revvity Omics, Revvity
Classification: Uncertain significance. Last evaluated: 2020-01-31. Review status: criteria provided, single submitter. Criteria: ACMG Guidelines, 2015. Collection method: clinical testing. Allele origin: germline.

Illumina Laboratory Services, Illumina
Classification: Likely benign for Emery-Dreifuss muscular dystrophy 4, autosomal dominant. Last evaluated: 2018-01-12. Review status: criteria provided, single submitter. Criteria: ICSL Variant Classification Criteria 13 December 2019. Collection method: clinical testing. Allele origin: germline.
Comment: This variant was observed in the ICSL laboratory as part of a predisposition screen in an ostensibly healthy population. It had not been previously curated by ICSL or reported in the Human Gene Mutation Database (HGMD: prior to June 1st, 2018), and was therefore a candidate for classification through an automated scoring system. Utilizing variant allele frequency, disease prevalence and penetrance estimates, and inheritance mode, an automated score was calculated to assess if this variant is too frequent to cause the disease. Based on the score and internal cut-off values, a variant classified as likely benign is not then subjected to further curation. The score for this variant resulted in a classification of likely benign for this disease.

Illumina Laboratory Services, Illumina
Classification: Uncertain significance for Autosomal recessive ataxia, Beauce type. Last evaluated: 2018-01-12. Review status: criteria provided, single submitter. Criteria: ICSL Variant Classification Criteria 13 December 2019. Collection method: clinical testing. Allele origin: germline.

Eurofins Ntd Llc (ga)
Classification: Uncertain significance. Last evaluated: 2017-12-05. Review status: criteria provided, single submitter. Criteria: EGL Classification Definitions 2015. Collection method: clinical testing. Allele origin: germline. Observed: 2 variant alleles, 2 heterozygotes.